The following is an entry in ClinVar:

ClinVar aggregate classification (germline): Uncertain significance (1 of 4 stars; one submission).

Submission:

Labcorp Genetics (formerly Invitae), Labcorp
Classification: Uncertain significance. Last evaluated: 2024-04-15. Review status: criteria provided, single submitter. Criteria: Invitae Variant Classification Sherloc (09022015). Collection method: clinical testing. Allele origin: germline.
Comment: This sequence change replaces leucine, which is neutral and non-polar, with proline, which is neutral and non-polar, at codon 216 of the P2RY12 protein (p.Leu216Pro). This variant is not present in population databases (gnomAD no frequency). This variant has not been reported in the literature in individuals affected with P2RY12-related conditions. An algorithm developed to predict the effect of missense changes on protein structure and function (PolyPhen-2) suggests that this variant is likely to be disruptive. In summary, the available evidence is currently insufficient to determine the role of this variant in disease. Therefore, it has been classified as a Variant of Uncertain Significance.

NM_022788.5(P2RY12):c.647T>C (p.Leu216Pro)

Genes: MED12L (mediator complex subunit 12L; plus strand), P2RY12 (purinergic receptor P2Y12; minus strand). Cytogenetic location: 3q25.1.
Variant type: single nucleotide variant.
Coding change: c.647T>C on transcript NM_022788.5 (MANE Select); coding-DNA position 647, T replaced by C.
Protein change: p.Leu216Pro; replaces leucine 216 with proline.
Molecular consequence: missense variant. On other transcripts: intron variant (2).
Genome position (GRCh38, 1-based): chr3:151,338,199, A>G on the plus strand (T>C on the coding strand, the complement: P2RY12 is on the minus strand). VCF-style: chr3-151338199-A-G. GRCh37 (hg19) VCF-style: chr3-151055987-A-G.
Other names: c.647T>C, p.Leu216Pro (NM_176876.3); c.2251-11860A>G (NM_001393769.1); c.2146-11860A>G (NM_053002.6); short protein forms L216P.
Identifiers: ClinVar variation 2833698 (VCV002833698.3), dbSNP rs2473272281, ClinGen allele CA354980795.
Genomic context (GRCh38, chr3:151,338,199, plus strand): 5'-ACGTTCACCTTTTTCCTGGGGACTTTACCTACACCCCTCGTTCTTACGTATGACCGGTAC[A>G]GTTCTTTTGTAATGAGTGTATAACATACAATAACAATTAAGAAATTAATCCAGAAAATGA-3'
Protein context (NP_073625.1, residues 206-226): IVCYTLITKE[Leu216Pro]YRSYVRTRGV